The following is an entry in ClinVar:

ClinVar aggregate classification (germline): Uncertain significance. Review status: criteria provided, multiple submitters, no conflicts (2 of 4 stars). 2 submissions from 2 submitters: Uncertain significance (2). Last evaluated 2024-04-25.

Allele frequency attached by ClinVar (database versions not stated): TOPMed 0.00001; gnomAD 0.00003.

Submissions (2):

Labcorp Genetics (formerly Invitae), Labcorp
Classification: Uncertain significance. Last evaluated: 2024-04-25. Review status: criteria provided, single submitter. Criteria: Invitae Variant Classification Sherloc (09022015). Collection method: clinical testing. Allele origin: germline.
Comment: This sequence change replaces serine, which is neutral and polar, with asparagine, which is neutral and polar, at codon 672 of the ITGAM protein (p.Ser672Asn). This variant is present in population databases (no rsID available, gnomAD 0.01%). This variant has not been reported in the literature in individuals affected with ITGAM-related conditions. ClinVar contains an entry for this variant (Variation ID: 2254266). An algorithm developed to predict the effect of missense changes on protein structure and function (PolyPhen-2) suggests that this variant is likely to be disruptive. In summary, the available evidence is currently insufficient to determine the role of this variant in disease. Therefore, it has been classified as a Variant of Uncertain Significance.

Ambry Genetics
Classification: Uncertain significance. Last evaluated: 2021-10-12. Review status: criteria provided, single submitter. Criteria: Ambry Variant Classification Scheme 2023. Collection method: clinical testing. Allele origin: germline.

NM_000632.4(ITGAM):c.2015G>A (p.Ser672Asn)

Gene: ITGAM (integrin subunit alpha M; plus strand). Cytogenetic location: 16p11.2.
Variant type: single nucleotide variant.
Coding change: c.2015G>A on transcript NM_000632.4 (MANE Select); coding-DNA position 2015, G replaced by A.
Protein change: p.Ser672Asn; replaces serine 672 with asparagine.
Molecular consequence: missense variant.
Genome position (GRCh38, 1-based): chr16:31,324,411, G>A. VCF-style: chr16-31324411-G-A. GRCh37 (hg19) VCF-style: chr16-31335732-G-A.
Other names: c.2018G>A, p.Ser673Asn (NM_001145808.2); short protein forms S672N, S673N.
Identifiers: ClinVar variation 2254266 (VCV002254266.4), dbSNP rs1192284721, ClinGen allele CA395684693.